The following is an entry in ClinVar:

NM_000395.3(CSF2RB):c.1037A>G (p.Asn346Ser)

Gene: CSF2RB (colony stimulating factor 2 receptor subunit beta; plus strand). Cytogenetic location: 22q12.3.
Variant type: single nucleotide variant.
Coding change: c.1037A>G on transcript NM_000395.3 (MANE Select); coding-DNA position 1037, A replaced by G.
Protein change: p.Asn346Ser; replaces asparagine 346 with serine.
Molecular consequence: missense variant.
Genome position (GRCh38, 1-based): chr22:36,932,789, A>G. VCF-style: chr22-36932789-A-G. GRCh37 (hg19) VCF-style: chr22-37328831-A-G.
Other names: c.1055A>G, p.Asn352Ser (NM_001410827.1); short protein forms N352S, N346S.
Identifiers: ClinVar variation 2291637 (VCV002291637.5), dbSNP rs373144953, ClinGen allele CA323996317.

ClinVar aggregate classification (germline): Uncertain significance. Review status: criteria provided, multiple submitters, no conflicts (2 of 4 stars). 2 submissions from 2 submitters: Uncertain significance (2). Last evaluated 2024-07-10.

Conditions:
Inborn genetic diseases. Identifiers: MedGen C0950123, MeSH D030342.

Allele frequency attached by ClinVar (database versions not stated): gnomAD 0.00002; TOPMed 0.00002; ESP Exome Variant Server 0.00008.
gnomAD v4.1: 5 of 1,613,958 alleles (0.00031%); highest among the groups gnomAD compares: African/African-American, 0.004%; no homozygotes.

Submissions (2):

Ambry Genetics
Classification: Uncertain significance for Inborn genetic diseases. Last evaluated: 2024-07-10. Review status: criteria provided, single submitter. Criteria: Ambry Variant Classification Scheme 2023. Collection method: clinical testing. Allele origin: germline.

Labcorp Genetics (formerly Invitae), Labcorp
Classification: Uncertain significance. Last evaluated: 2024-05-02. Review status: criteria provided, single submitter. Criteria: Invitae Variant Classification Sherloc (09022015). Collection method: clinical testing. Allele origin: germline.
Comment: This sequence change replaces asparagine, which is neutral and polar, with serine, which is neutral and polar, at codon 346 of the CSF2RB protein (p.Asn346Ser). This variant is not present in population databases (gnomAD no frequency). This variant has not been reported in the literature in individuals affected with CSF2RB-related conditions. ClinVar contains an entry for this variant (Variation ID: 2291637). Advanced modeling of protein sequence and biophysical properties (such as structural, functional, and spatial information, amino acid conservation, physicochemical variation, residue mobility, and thermodynamic stability) performed at Invitae indicates that this missense variant is not expected to disrupt CSF2RB protein function with a negative predictive value of 80%. In summary, the available evidence is currently insufficient to determine the role of this variant in disease. Therefore, it has been classified as a Variant of Uncertain Significance.